The following is an entry in ClinVar:

ClinVar aggregate classification (germline): Uncertain significance. Review status: criteria provided, multiple submitters, no conflicts (2 of 4 stars). 2 submissions from 2 submitters: Uncertain significance (2). Last evaluated 2021-02-18.

Conditions:
Intellectual developmental disorder, autosomal recessive 48. Also called: Progressive essential tremor-speech impairment-facial dysmorphism-intellectual disability-abnormal behavior syndrome. Identifiers: Orphanet 457212, MedGen C4225395, MONDO:0014559, OMIM 616269.

Allele frequency attached by ClinVar (database versions not stated): gnomAD 0.00008 and 0.00010; TOPMed 0.00008; ESP Exome Variant Server 0.00031.
gnomAD v4.1: 62 of 1,606,674 alleles (0.0039%); highest among the groups gnomAD compares: African/African-American, 0.008%; no homozygotes.

Submissions (2):

Illumina Laboratory Services, Illumina
Classification: Uncertain significance for Intellectual developmental disorder, autosomal recessive 48. Last evaluated: 2021-02-18. Review status: criteria provided, single submitter. Criteria: ICSLVariantClassificationCriteria RUGD 01 April 2020. Collection method: clinical testing. Allele origin: unknown.
Comment: The SLC6A17 c.1105G>A p.(Glu369Lys) variant is a missense variant. A literature search was performed for the gene, cDNA change, and amino acid change. No publications were found based on this search. This variant is reported at a frequency of 0.0001335 in the European (non-Finnish) population in the Genome Aggregation Database (version 2.1.1). Based on the limited evidence, the c.1105G>A p.(Glu369Lys) variant is classified as a variant of uncertain significance for autosomal recessive intellectual developmental disorder.

Genetic Services Laboratory, University of Chicago
Classification: Uncertain significance. Last evaluated: 2016-12-16. Review status: criteria provided, single submitter. Criteria: ACMG Guidelines, 2015. Collection method: clinical testing. Allele origin: germline. Affected: no.

NM_001010898.4(SLC6A17):c.1105G>A (p.Glu369Lys)

Gene: SLC6A17 (solute carrier family 6 member 17; plus strand). Cytogenetic location: 1p13.3.
Variant type: single nucleotide variant.
Coding change: c.1105G>A on transcript NM_001010898.4 (MANE Select); coding-DNA position 1105, G replaced by A.
Protein change: p.Glu369Lys; replaces glutamic acid 369 with lysine.
Molecular consequence: missense variant.
Genome position (GRCh38, 1-based): chr1:110,192,212, G>A. VCF-style: chr1-110192212-G-A. GRCh37 (hg19) VCF-style: chr1-110734834-G-A.
Other names: short protein forms E369K.
Identifiers: ClinVar variation 436764 (VCV000436764.7), dbSNP rs149884117, ClinGen allele CA998052.